The following is an entry in ClinVar:

NM_139119.3(YY1AP1):c.-151-128_-151-120del

Genes: DAP3 (death associated protein 3; plus strand), YY1AP1 (YY1 associated protein 1; minus strand). Cytogenetic location: 1q22.
Variant type: Microsatellite.
Coding change: c.-151-128_-151-120del on transcript NM_139119.3 (MANE Select); 128 bases into the intron before 151 bases upstream of the start codon through 120 bases into the intron before 151 bases upstream of the start codon, 9 bases deleted (TGCCGCCGC; older notation c.-151-128_-151-120delTGCCGCCGC).
Molecular consequence: intron variant. On other transcripts: inframe deletion (3).
Genome position (GRCh38, 1-based): chr1:155,688,321-155,688,329, GCGGCGGCA deleted on the plus strand (TGCCGCCGC on the coding strand, the reverse complement: YY1AP1 is on the minus strand); deleting any 9 consecutive bases within chr1:155,688,321-155,688,340 gives the same sequence; the c. name uses the placement nearest the transcript's 3' end. VCF-style (leftmost placement, unchanged base first): chr1-155688320-GGCGGCGGCA-G. GRCh37 (hg19) VCF-style: chr1-155658111-GGCGGCGGCA-G.
Other names: c.136_144delTGCCGCCGC (NM_001198903.1); c.127TGCCGCCGC[1], p.43CRR[1] (NM_001198903.1, NM_001198904.1); c.-21+601_-21+609del (NM_001198901.2); c.-375+601_-375+609del (NM_139121.3); c.48-128_48-120del (NM_139118.3, NM_001198906.2); c.-21+330_-21+338del (NM_001198902.2); c.-143-128_-143-120del (NM_001198900.2); c.-151-128_-151-120del (NM_001198905.2); and 3 more.
Identifiers: ClinVar variation 736159 (VCV000736159.6), dbSNP rs566869739, ClinGen allele CA1149054.
Genomic context (GRCh38, chr1:155,688,320, plus strand): 5'-AGGAGGCGGATCCCGCAACCGACACTGGGATCGTTTCCCCTCGCAAAGCGAACCCAAAAT[GGCGGCGGCA>G]GCGGCGGCAGCAGAGTGGCCGCGGCAGCTCCTCCAGAGGGAGGGAGCTAAGGGCGCCTAG-3'

ClinVar aggregate classification (germline): Benign. Review status: criteria provided, single submitter (1 of 4 stars). 2 submissions from 2 submitters: Benign (1). 1 of the submissions does not count toward it. Last evaluated 2019-12-31.

Conditions:
YY1AP1-related disorder. Also called: YY1AP1-related condition.

Submissions (2):

Labcorp Genetics (formerly Invitae), Labcorp
Classification: Benign. Last evaluated: 2019-12-31. Review status: criteria provided, single submitter. Criteria: Invitae Variant Classification Sherloc (09022015). Collection method: clinical testing. Allele origin: germline.

PreventionGenetics, part of Exact Sciences
Classification: Benign for YY1AP1-related condition. Last evaluated: 2019-10-02. Review status: no assertion criteria provided. Collection method: clinical testing. Allele origin: germline. Not counted in ClinVar's aggregate classification.
Comment: This variant is classified as benign based on ACMG/AMP sequence variant interpretation guidelines (Richards et al. 2015 PMID: 25741868, with internal and published modifications).